The following is an entry in ClinVar:

ClinVar aggregate classification (germline): Benign. Review status: reviewed by expert panel (3 of 4 stars). 32 submissions from 31 submitters: Benign (1). 31 of the submissions do not count toward it. Last evaluated 2023-08-08.

Conditions:
CDH1-related diffuse gastric and lobular breast cancer syndrome. Also called: CDH1-related diffuse gastric and lobular breast cancer. Identifiers: MedGen CN311521, MONDO:0100488.
Blepharocheilodontic syndrome 1 (BCDS1). Identifiers: Orphanet 1997, MedGen C4551988, MONDO:0054740, OMIM 119580.
Familial cancer of breast. Also called: hereditary breast carcinoma; BREAST CANCER, FAMILIAL; Hereditary breast cancer. Identifiers: Orphanet 227535, MedGen C0346153, MONDO:0016419, OMIM 114480. Disease mechanism: loss of function.
Prostate cancer. Also called: Malignant tumor of prostate. Identifiers: Orphanet 1331, MedGen C0376358, MONDO:0008315, HP:0012125.
Ovarian neoplasm. Also called: Neoplasm of ovary; Ovarian Neoplasms; Ovarian tumor. Identifiers: MedGen C0919267, MeSH D010051, MONDO:0021068, HP:0100615.
Hereditary diffuse gastric adenocarcinoma (HDGC). Also called: DIFFUSE GASTRIC AND LOBULAR BREAST CANCER SYNDROME. Identifiers: Orphanet 26106, MedGen C1708349, MONDO:0007648, OMIM 137215.
Endometrial carcinoma. Also called: Endometrial carcinoma, somatic. Identifiers: MedGen C0476089, MONDO:0002447, OMIM 608089, HP:0012114.
Breast and/or ovarian cancer. Identifiers: MedGen CN221562.
Hereditary cancer-predisposing syndrome. Also called: Hereditary neoplastic syndrome; Hereditary Cancer Syndrome; Neoplastic Syndromes, Hereditary; Tumor predisposition. Identifiers: Orphanet 140162, MedGen C0027672, MeSH D009386, MONDO:0015356.
Malignant tumor of breast. Also called: Malignant breast neoplasm; Cancer breast. Identifiers: MedGen C0006142, MONDO:0007254. Disease mechanism: loss of function.

Allele frequency attached by ClinVar (database versions not stated): gnomAD 0.01412 and 0.01316; 1000 Genomes Project 0.01438; TOPMed 0.01441; ExAC 0.00423; 1000 Genomes Project 30x 0.01624.
gnomAD v4.1: 4,071 of 1,614,086 alleles (0.25%); highest among the groups gnomAD compares: African/African-American, 4.6%; 85 homozygotes.

Submissions 1 to 19 of 32:

Clingen Gastric Cancer Variant Curation Expert Panel
Classification: Benign for CDH1-related diffuse gastric and lobular breast cancer syndrome. Last evaluated: 2023-08-08. Review status: reviewed by expert panel. Criteria: ClinGen CDH1 ACMG Specifications V3.1. Collection method: curation. Allele origin: germline. Inheritance: Autosomal dominant inheritance.
Comment: The c.1849G>A (p.Ala617Thr) variant has an allele frequency of 0.04479 (4.5%, 1,076/24,022 alleles) in the African subpopulation of the gnomAD cohort (BA1). In summary, this variant meets criteria to be classified as benign. ACMG/AMP criteria applied, as specified by the CDH1 Variant Curation Expert Panel (Variant Interpretation Guidelines Version 3.1): BA1.

CeGaT Center for Human Genetics Tuebingen
Classification: Benign. Last evaluated: 2026-09-01. Review status: criteria provided, single submitter. Criteria: CeGaT Center For Human Genetics Tuebingen Variant Classification Criteria Version 2. Collection method: clinical testing. Allele origin: germline. Affected: yes. Observed: 8 variant alleles. Not counted in ClinVar's aggregate classification.
Comment: CDH1: BP4, BS1, BS2

Labcorp Genetics (formerly Invitae), Labcorp
Classification: Benign for Hereditary diffuse gastric adenocarcinoma. Last evaluated: 2026-02-04. Review status: criteria provided, single submitter. Criteria: Invitae Variant Classification Sherloc (09022015). Collection method: clinical testing. Allele origin: germline. Not counted in ClinVar's aggregate classification.

Dasa
Classification: Benign. Last evaluated: 2025-11-05. Review status: criteria provided, single submitter. Criteria: DASA Assertion Criteria. Collection method: clinical testing. Allele origin: germline. Not counted in ClinVar's aggregate classification.
Comment: NM_004360.5(CDH1):c.1849G>A (p.Ala617Thr) is a missense variant that results in the substitution of alanine with threonine. Population frequency is inconsistent with a disease-causing role for this variant, and observations in unaffected individuals support a benign interpretation. Computational prediction algorithms are consistent with a benign effect. Therefore, based on the currently available evidence, this variant is classified as benign.

ARUP Laboratories, Molecular Genetics and Genomics, ARUP Laboratories
Classification: Benign. Last evaluated: 2025-05-06. Review status: criteria provided, single submitter. Criteria: ARUP Molecular Germline Variant Investigation Process 2024. Collection method: clinical testing. Allele origin: germline. Not counted in ClinVar's aggregate classification.

Center for Genomic Medicine, Rigshospitalet, Copenhagen University Hospital
Classification: Benign. Last evaluated: 2025-03-04. Review status: criteria provided, single submitter. Criteria: ACMG Guidelines, 2015. Collection method: clinical testing. Allele origin: germline. Not counted in ClinVar's aggregate classification.

Myriad Genetics, Inc.
Classification: Benign for Hereditary diffuse gastric adenocarcinoma. Last evaluated: 2023-03-07. Review status: criteria provided, single submitter. Criteria: Myriad Autosomal Dominant, Autosomal Recessive and X-Linked Classification Criteria (2023). Collection method: clinical testing. Allele origin: unknown. Not counted in ClinVar's aggregate classification.
Comment: This variant is considered benign. This variant has been observed at a population frequency that is significantly greater than expected given the associated disease prevalence and penetrance.

European Reference Network on Genetic Tumour Risk Syndromes (ERN-GENTURIS), i3s - Instituto de Investigação e Inovação em Saúde, University of Porto
Classification: Benign for Hereditary diffuse gastric adenocarcinoma. Last evaluated: 2022-08-01. Review status: criteria provided, single submitter. Criteria: Lee et al. (Hum Mutat. 2018). Collection method: clinical testing. Allele origin: germline. Inheritance: Autosomal dominant inheritance. Affected: no. Study: ERN GENTURIS. Not counted in ClinVar's aggregate classification.
Comment: BA1 (PMID: 30311375)

Fulgent Genetics
Classification: Benign for Familial cancer of breast; Blepharocheilodontic syndrome 1; Hereditary diffuse gastric adenocarcinoma; Ovarian cancer; Familial prostate cancer; Endometrial carcinoma. Last evaluated: 2021-08-25. Review status: criteria provided, single submitter. Criteria: ACMG Guidelines, 2015. Collection method: clinical testing. Allele origin: unknown. Not counted in ClinVar's aggregate classification.

CHEO Genetics Diagnostic Laboratory, Children's Hospital of Eastern Ontario
Classification: Benign for Breast and/or ovarian cancer. Last evaluated: 2021-05-26. Review status: criteria provided, single submitter. Criteria: ACMG Guidelines, 2015. Collection method: clinical testing. Allele origin: germline. Not counted in ClinVar's aggregate classification.

Sema4
Classification: Benign for Hereditary cancer-predisposing syndrome. Last evaluated: 2020-03-21. Review status: criteria provided, single submitter. Criteria: Sema4 Curation Guidelines. Collection method: curation. Allele origin: germline. Not counted in ClinVar's aggregate classification.

Illumina Laboratory Services, Illumina
Classification: Likely benign for Hereditary diffuse gastric adenocarcinoma. Last evaluated: 2017-04-27. Review status: criteria provided, single submitter. Criteria: ICSL Variant Classification Criteria 13 December 2019. Collection method: clinical testing. Allele origin: germline. Not counted in ClinVar's aggregate classification.
Comment: This variant was observed as part of a predisposition screen in an ostensibly healthy population. A literature search was performed for the gene, cDNA change, and amino acid change (where applicable). Publications were found based on this search. The evidence from the literature, in combination with allele frequency data from public databases where available, was sufficient to determine this variant is unlikely to cause disease. Therefore, this variant is classified as likely benign.

Institute for Biomarker Research, Medical Diagnostic Laboratories, L.L.C.
Classification: Likely benign for Hereditary cancer-predisposing syndrome. Last evaluated: 2017-02-14. Review status: criteria provided, single submitter. Criteria: ACMG Guidelines, 2015. Collection method: clinical testing. Allele origin: germline. Not counted in ClinVar's aggregate classification.

PreventionGenetics, part of Exact Sciences
Classification: Benign. Last evaluated: 2016-12-12. Review status: criteria provided, single submitter. Criteria: ACMG Guidelines, 2015. Collection method: clinical testing. Allele origin: germline. Not counted in ClinVar's aggregate classification.

Vantari Genetics
Classification: Benign for Hereditary cancer-predisposing syndrome. Last evaluated: 2016-01-21. Review status: criteria provided, single submitter. Criteria: ACMG Guidelines, 2015. Collection method: clinical testing. Allele origin: germline. Not counted in ClinVar's aggregate classification.

Color Diagnostics, LLC DBA Color Health
Classification: Benign for Hereditary cancer-predisposing syndrome. Last evaluated: 2015-03-10. Review status: criteria provided, single submitter. Criteria: ACMG Guidelines, 2015. Collection method: clinical testing. Allele origin: germline. Not counted in ClinVar's aggregate classification.

Eurofins Ntd Llc (ga)
Classification: Benign. Last evaluated: 2015-01-22. Review status: criteria provided, single submitter. Criteria: EGL Classification Definitions 2015. Collection method: clinical testing. Allele origin: germline. Observed: 1 variant allele, 1 heterozygote. Not counted in ClinVar's aggregate classification.

Ambry Genetics
Classification: Benign for Hereditary cancer-predisposing syndrome. Last evaluated: 2014-11-18. Review status: criteria provided, single submitter. Criteria: Ambry Variant Classification Scheme 2023. Collection method: clinical testing. Allele origin: germline. Not counted in ClinVar's aggregate classification.

Pathway Genomics
Classification: Benign for Hereditary diffuse gastric cancer. Last evaluated: 2014-10-30. Review status: criteria provided, single submitter. Criteria: ACMG Guidelines, 2015. Collection method: clinical testing. Allele origin: germline. Not counted in ClinVar's aggregate classification.

NM_004360.5(CDH1):c.1849G>A (p.Ala617Thr)

Gene: CDH1 (cadherin 1; plus strand). Cytogenetic location: 16q22.1.
Variant type: single nucleotide variant.
Coding change: c.1849G>A on transcript NM_004360.5 (MANE Select); coding-DNA position 1849, G replaced by A.
Protein change: p.Ala617Thr; replaces alanine 617 with threonine.
Molecular consequence: missense variant. On other transcripts: 5 prime UTR variant (1).
Genome position (GRCh38, 1-based): chr16:68,822,138, G>A. VCF-style: chr16-68822138-G-A. GRCh37 (hg19) VCF-style: chr16-68856041-G-A.
Other names: p.A617T:GCA>ACA; NM_004360.4(CDH1):c.1849G>A; c.1666G>A, p.Ala556Thr (NM_001317184.2); c.301G>A, p.Ala101Thr (NM_001317185.2); c.-117G>A (NM_001317186.2); c.1849G>A, p.Ala617Thr (LRG_301t1); short protein forms A617T, A101T, A556T.
Identifiers: ClinVar variation 12232 (VCV000012232.83), dbSNP rs33935154, ClinGen allele CA121991.
Genomic context (GRCh38, chr16:68,822,138, plus strand): 5'-CCTCGAACTATATTCTTCTGTGAGAGGAATCCAAAGCCTCAGGTCATAAACATCATTGAT[G>A]CAGACCTTCCTCCCAATACATCTCCCTTCACAGCAGAACTAACACACGGGGCGAGTGCCA-3'
Protein context (NP_004351.1, residues 607-627): PKPQVINIID[Ala617Thr]DLPPNTSPFT